The following is an entry in ClinVar:

ClinVar aggregate classification (germline): Conflicting classifications of pathogenicity. Review status: criteria provided, conflicting classifications (1 of 4 stars). 2 submissions from 2 submitters: Uncertain significance (1); Likely benign (1). Last evaluated 2024-11-01.

Allele frequency attached by ClinVar (database versions not stated): 1000 Genomes Project 30x 0.00016; 1000 Genomes Project 0.00020; gnomAD 0.00109; ExAC 0.00112; TOPMed 0.00131; ESP Exome Variant Server 0.00156; gnomAD exomes 0.00164.
gnomAD v4.1: 2,434 of 1,534,498 alleles (0.16%); highest among the groups gnomAD compares: Non-Finnish European, 0.2%; 1 homozygote.

Submissions (2):

CeGaT Center for Human Genetics Tuebingen
Classification: Likely benign. Last evaluated: 2024-11-01. Review status: criteria provided, single submitter. Criteria: CeGaT Center For Human Genetics Tuebingen Variant Classification Criteria Version 2. Collection method: clinical testing. Allele origin: germline. Affected: yes. Observed: 2 variant alleles.
Comment: BICRA: BS1

Ambry Genetics
Classification: Uncertain significance. Last evaluated: 2023-08-08. Review status: criteria provided, single submitter. Criteria: Ambry Variant Classification Scheme 2023. Collection method: clinical testing. Allele origin: germline.

NM_001394372.1(BICRA):c.2713G>A (p.Asp905Asn)

Gene: BICRA (BRD4 interacting chromatin remodeling complex associated protein; plus strand). Cytogenetic location: 19q13.33.
Variant type: single nucleotide variant.
Coding change: c.2713G>A on transcript NM_001394372.1 (MANE Select); coding-DNA position 2713, G replaced by A.
Protein change: p.Asp905Asn; replaces aspartic acid 905 with asparagine.
Molecular consequence: missense variant.
Genome position (GRCh38, 1-based): chr19:47,694,544, G>A. VCF-style: chr19-47694544-G-A. GRCh37 (hg19) VCF-style: chr19-48197801-G-A.
Other names: c.2713G>A, p.Asp905Asn (NM_015711.3); short protein forms D905N.
Identifiers: ClinVar variation 2588065 (VCV002588065.26), dbSNP rs200856502, ClinGen allele CA9541969.